The following is an entry in ClinVar:

NM_001393504.1(MAST3):c.1562A>C (p.Lys521Thr)

Gene: MAST3 (microtubule associated serine/threonine kinase 3; plus strand). Cytogenetic location: 19p13.11.
Variant type: single nucleotide variant.
Coding change: c.1562A>C on transcript NM_001393504.1 (MANE Select); coding-DNA position 1562, A replaced by C.
Protein change: p.Lys521Thr; replaces lysine 521 with threonine.
Molecular consequence: missense variant.
Genome position (GRCh38, 1-based): chr19:18,132,038, A>C. VCF-style: chr19-18132038-A-C. GRCh37 (hg19) VCF-style: chr19-18242848-A-C.
Other names: c.1586A>C, p.Lys529Thr (NM_001393501.1); c.1565A>C, p.Lys522Thr (NM_001393502.1); c.1562A>C, p.Lys521Thr (NM_001393503.1); c.1559A>C, p.Lys520Thr (NM_001393505.1); c.1514A>C, p.Lys505Thr (NM_001393506.1, NM_001393513.1); c.1541A>C, p.Lys514Thr (NM_001393507.1); c.1496A>C, p.Lys499Thr (NM_001393508.1, NM_001393516.1); c.1493A>C, p.Lys498Thr (NM_001393509.1, NM_001393510.1, NM_001393512.1 and 2 more transcripts); and 4 more; short protein forms K483T, K491T, K492T, K497T, K498T, K499T, K505T, K514T.
Identifiers: ClinVar variation 5020174 (VCV005020174.1).

ClinVar aggregate classification (germline): Uncertain significance (1 of 4 stars; one submission).

Submission:

Dasa
Classification: Uncertain significance. Last evaluated: 2026-07-20. Review status: criteria provided, single submitter. Criteria: DASA Assertion Criteria. Collection method: clinical testing. Allele origin: germline.
Comment: NM_001393504.1(MAST3):c.1562A>C (p.Lys521Thr) is a missense variant that results in the substitution of lysine with threonine. This variant is rare in population databases. Computational prediction algorithms are consistent with a deleterious effect. The currently available literature and clinical evidence are not sufficient to establish a definitive association between this variant and the reported condition. Therefore, this variant is classified as a variant of uncertain significance.